The following is an entry in ClinVar:

ClinVar aggregate classification (germline): Pathogenic (1 of 4 stars; one submission).

Conditions:
Propionic acidemia (PROP). Also called: GLYCINEMIA, KETOTIC; HYPERGLYCINEMIA WITH KETOACIDOSIS AND LEUKOPENIA; KETOTIC HYPERGLYCINEMIA. Identifiers: Orphanet 35, MedGen C0268579, MONDO:0011628, OMIM 606054, HP:0003571.

Submission:

Labcorp Genetics (formerly Invitae), Labcorp
Classification: Pathogenic for Propionic acidemia. Last evaluated: 2022-04-26. Review status: criteria provided, single submitter. Criteria: Invitae Variant Classification Sherloc (09022015). Collection method: clinical testing. Allele origin: germline.
Comment: For these reasons, this variant has been classified as Pathogenic. This variant is a gross deletion of the genomic region encompassing exon(s) 8-18 of the PCCA gene. This deletion is out-of-frame, and is expected to create a premature termination codon and result in an absent or disrupted protein product. Loss-of-function variants in PCCA are known to be pathogenic (PMID: 15464417). This variant has not been reported in the literature in individuals affected with PCCA-related conditions.

Literature cited by the submitters: PubMed 15464417.

NC_000013.10:g.(?_100888086)_(100992523_?)del

Gene: PCCA (propionyl-CoA carboxylase subunit alpha; plus strand). Cytogenetic location: 13q32.3.
Variant type: Deletion.
Identifiers: ClinVar variation 2422800 (VCV002422800.3).